The following is an entry in ClinVar:

ClinVar aggregate classification (germline): Uncertain significance (1 of 4 stars; one submission).

Conditions:
Nephronophthisis 14 (NPHP14). Identifiers: Orphanet 2318, MedGen C3539071, MONDO:0013916, OMIM 614844.

Submission:

Labcorp Genetics (formerly Invitae), Labcorp
Classification: Uncertain significance for Nephronophthisis 14. Last evaluated: 2021-11-28. Review status: criteria provided, single submitter. Criteria: Invitae Variant Classification Sherloc (09022015). Collection method: clinical testing. Allele origin: germline.
Comment: This variant has not been reported in the literature in individuals affected with ZNF423-related conditions. This variant, c.1187_1189del, results in the deletion of 1 amino acid(s) of the ZNF423 protein (p.Lys396del), but otherwise preserves the integrity of the reading frame. This variant is present in population databases (rs774791925, gnomAD 0.009%). Experimental studies and prediction algorithms are not available or were not evaluated, and the functional significance of this variant is currently unknown. In summary, the available evidence is currently insufficient to determine the role of this variant in disease. Therefore, it has been classified as a Variant of Uncertain Significance.

NM_001379286.1(ZNF423):c.1205AGA[2] (p.Lys404del)

Gene: ZNF423 (zinc finger protein 423; minus strand). Cytogenetic location: 16q12.1.
Variant type: Microsatellite.
Coding change: c.1205AGA[2] on transcript NM_001379286.1 (MANE Select); two copies in a row of the 3-base unit AGA starting at c.1205; the reference has three copies in a row; one copy, 3 bases deleted.
Protein change: p.Lys404del; deletes lysine 404.
Molecular consequence: inframe deletion.
Genome position (GRCh38, 1-based): chr16:49,637,963-49,637,965, TCT deleted on the plus strand (AGA on the coding strand, the reverse complement: ZNF423 is on the minus strand); deleting any 3 consecutive bases within chr16:49,637,963-49,637,971 gives the same sequence; the position shown is the placement nearest the transcript's 3' end. VCF-style (leftmost placement, unchanged base first): chr16-49637962-ATCT-A. GRCh37 (hg19) VCF-style: chr16-49671873-ATCT-A.
Other names: c.1001AGA[2], p.Lys336del (NM_001271620.2); c.830AGA[2], p.Lys279del (NM_001330533.2); c.1181AGA[2], p.Lys396del (NM_015069.5); short protein forms K396del, K279del, K404del, K336del.
Identifiers: ClinVar variation 1479162 (VCV001479162.5), dbSNP rs774791925, ClinGen allele CA8046729.